The following is an entry in ClinVar:

NM_000128.4(F11):c.908del (p.Gly303fs)

Gene: F11 (coagulation factor XI; plus strand). Cytogenetic location: 4q35.2.
Variant type: Deletion.
Coding change: c.908del on transcript NM_000128.4 (MANE Select); coding-DNA position 908, one base deleted (G; older notation c.908delG).
Protein change: p.Gly303fs; shifts the reading frame from glycine 303.
Molecular consequence: frameshift variant.
Genome position (GRCh38, 1-based): chr4:186,280,265, G deleted; the last of 3 consecutive G bases (chr4:186,280,263-186,280,265); deleting any one gives the same sequence. VCF-style (leftmost placement, unchanged base first): chr4-186280262-TG-T. GRCh37 (hg19) VCF-style: chr4-187201416-TG-T.
Other names: c.908delG (NM_000128.3); short protein forms G303fs.
Identifiers: ClinVar variation 189129 (VCV000189129.14), dbSNP rs786204722, ClinGen allele CA199127.

ClinVar aggregate classification (germline): Pathogenic. Review status: criteria provided, multiple submitters, no conflicts (2 of 4 stars). 6 submissions from 6 submitters: Pathogenic (4). 2 of the submissions do not count toward it. Last evaluated 2025-12-02.

Conditions:
Plasma factor XI deficiency.
Hereditary factor XI deficiency disease. Also called: Congenital factor XI deficiency; PLASMA THROMBOPLASTIN ANTECEDENT DEFICIENCY; PTA DEFICIENCY; ROSENTHAL SYNDROME. Identifiers: Orphanet 329, MedGen C0015523, MeSH D005173, MONDO:0012897, OMIM 612416.

Submissions (6):

Natera, Inc.
Classification: Pathogenic for Plasma factor XI deficiency. Last evaluated: 2025-12-02. Review status: criteria provided, single submitter. Criteria: Natera Variant Classification Schema (03/2026). Collection method: clinical testing. Allele origin: germline.
Comment: The c.908delG variant in F11 is a frameshift variant predicted to shift the reading frame beginning at codon 303 and leads to a stop codon 46 codons downstream. This variant is expected to result in nonsense mediated decay, truncation, or a dysfunctional protein product. This variant is rare in the general population with a frequency below the threshold expected for the associated phenotype(s). This variant has been observed in one or more individuals affected with the associated recessive disease, as either homozygous or compound heterozygous with a second variant (PMID: 24112640). Given the available evidence, this variant is classified as Pathogenic.

Myriad Genetics, Inc.
Classification: Pathogenic for Hereditary factor XI deficiency disease. Last evaluated: 2025-04-03. Review status: criteria provided, single submitter. Criteria: Myriad Autosomal Dominant, Autosomal Recessive and X-Linked Classification Criteria (2023). Collection method: clinical testing. Allele origin: unknown.
Comment: NM_000128.3(F11):c.908delG(G303Efs*46) is a frameshift variant classified as pathogenic in the context of factor XI deficiency. G303Efs*46 has been observed in cases with relevant disease (PMID: 11895778, 29178608, 32581362, 24112640). Relevant functional assessments of this variant are not available in the literature. G303Efs*46 has been observed in referenced population frequency databases. In summary, NM_000128.3(F11):c.908delG(G303Efs*46) is a frameshift variant in a gene where loss of function is a known mechanism of disease, is predicted to disrupt protein function, and has been observed more frequently in cases with the relevant disease than in healthy populations. Please note: this variant was assessed in the context of healthy population screening.

Labcorp Genetics (formerly Invitae), Labcorp
Classification: Pathogenic. Last evaluated: 2022-10-15. Review status: criteria provided, single submitter. Criteria: Invitae Variant Classification Sherloc (09022015). Collection method: clinical testing. Allele origin: germline.
Comment: For these reasons, this variant has been classified as Pathogenic. ClinVar contains an entry for this variant (Variation ID: 189129). This variant is also known as 285delG. This premature translational stop signal has been observed in individual(s) with FXI deficiency (PMID: 11895778, 24112640, 29178608, 32581362). The frequency data for this variant in the population databases is considered unreliable, as metrics indicate poor data quality at this position in the gnomAD database. This sequence change creates a premature translational stop signal (p.Gly303Glufs*46) in the F11 gene. It is expected to result in an absent or disrupted protein product. Loss-of-function variants in F11 are known to be pathogenic (PMID: 23929304).

ISTH-SSC Genomics in Thrombosis and Hemostasis, KU Leuven, Center for Molecular and Vascular Biology
Classification: Pathogenic for Hereditary factor XI deficiency disease. Review status: criteria provided, single submitter. Criteria: ACMG Guidelines, 2015. Collection method: clinical testing. Allele origin: germline. Affected: yes. Observed: 1 heterozygote.
Comment: Submitted to the GoldVariant database by Kathleen Freson, Center for Molecular and Vascular Biology

Counsyl
Classification: Likely pathogenic for Hereditary factor XI deficiency disease. Last evaluated: 2015-01-16. Review status: no assertion criteria provided. Collection method: literature only. Allele origin: unknown. Inheritance: Autosomal recessive inheritance. Not counted in ClinVar's aggregate classification.

NIHR Bioresource Rare Diseases, University of Cambridge
Classification: Likely pathogenic for Hereditary factor XI deficiency disease. Review status: no assertion criteria provided. Collection method: research. Allele origin: unknown. Affected: yes. Observed: 3 variant alleles. Not counted in ClinVar's aggregate classification.

Literature cited by the submitters: PubMed 24112640 (cited by 4 submitters); PubMed 11895778 (cited by 3 submitters); PubMed 29178608 (cited by Myriad Genetics, Inc. and Labcorp Genetics (formerly Invitae), Labcorp); PubMed 32581362 (cited by 3 submitters); PubMed 23929304 (cited by Labcorp Genetics (formerly Invitae), Labcorp).